The following is an entry in ClinVar:

NM_003327.4(TNFRSF4):c.721C>T (p.Arg241Trp)

Gene: TNFRSF4 (TNF receptor superfamily member 4; minus strand). Cytogenetic location: 1p36.33.
Variant type: single nucleotide variant.
Coding change: c.721C>T on transcript NM_003327.4 (MANE Select); coding-DNA position 721, C replaced by T.
Protein change: p.Arg241Trp; replaces arginine 241 with tryptophan.
Molecular consequence: missense variant.
Genome position (GRCh38, 1-based): chr1:1,211,746, G>A on the plus strand (C>T on the coding strand, the complement: TNFRSF4 is on the minus strand). VCF-style: chr1-1211746-G-A. GRCh37 (hg19) VCF-style: chr1-1147126-G-A.
Other names: c.721C>T, p.Arg241Trp (LRG_1319t1); short protein forms R241W.
Identifiers: ClinVar variation 578388 (VCV000578388.11), dbSNP rs1006323015, ClinGen allele CA16729586.

ClinVar aggregate classification (germline): Uncertain significance. Review status: criteria provided, multiple submitters, no conflicts (2 of 4 stars). 2 submissions from 2 submitters: Uncertain significance (2). Last evaluated 2025-12-26.

Conditions:
Combined immunodeficiency due to OX40 deficiency. Also called: OX40 DEFICIENCY; Immunodeficiency 16. Identifiers: Orphanet 431149, MedGen C3810053, MONDO:0014268, OMIM 615593.

Allele frequency attached by ClinVar (database versions not stated): gnomAD 0.00001; gnomAD exomes 0.00001; TOPMed 0.00004.

Submissions (2):

Labcorp Genetics (formerly Invitae), Labcorp
Classification: Uncertain significance for Combined immunodeficiency due to OX40 deficiency. Last evaluated: 2025-12-26. Review status: criteria provided, single submitter. Criteria: Invitae Variant Classification Sherloc (09022015). Collection method: clinical testing. Allele origin: germline.
Comment: This sequence change replaces arginine, which is basic and polar, with tryptophan, which is neutral and slightly polar, at codon 241 of the TNFRSF4 protein (p.Arg241Trp). This variant is not present in population databases (gnomAD no frequency). This variant has not been reported in the literature in individuals affected with TNFRSF4-related conditions. ClinVar contains an entry for this variant (Variation ID: 578388). Invitae Evidence Modeling of protein sequence and biophysical properties (such as structural, functional, and spatial information, amino acid conservation, physicochemical variation, residue mobility, and thermodynamic stability) indicates that this missense variant is not expected to disrupt TNFRSF4 protein function with a negative predictive value of 80%. In summary, the available evidence is currently insufficient to determine the role of this variant in disease. Therefore, it has been classified as a Variant of Uncertain Significance.

Ambry Genetics
Classification: Uncertain significance. Last evaluated: 2025-12-08. Review status: criteria provided, single submitter. Criteria: Ambry Variant Classification Scheme 2023. Collection method: clinical testing. Allele origin: germline.